The following is an entry in ClinVar:

NM_006531.5(IFT88):c.530T>G (p.Val177Gly)

Gene: IFT88 (intraflagellar transport 88; plus strand). Cytogenetic location: 13q12.11.
Variant type: single nucleotide variant.
Coding change: c.530T>G on transcript NM_006531.5 (MANE Select); coding-DNA position 530, T replaced by G.
Protein change: p.Val177Gly; replaces valine 177 with glycine.
Molecular consequence: missense variant. On other transcripts: 5 prime UTR variant (1), non-coding transcript variant (5).
Genome position (GRCh38, 1-based): chr13:20,597,055, T>G. VCF-style: chr13-20597055-T-G. GRCh37 (hg19) VCF-style: chr13-21171194-T-G.
Other names: c.473T>G, p.Val158Gly (NM_001318491.2, NM_001353573.2, NM_001353574.2 and 1 more transcripts); c.557T>G, p.Val186Gly (NM_001318493.2, NM_001353565.2, NM_001353566.2 and 6 more transcripts); c.530T>G, p.Val177Gly (NM_001353568.2, NM_001353571.2, NM_001353572.2 and 1 more transcripts); c.-104T>G (NM_001353579.2); short protein forms V186G, V158G, V177G.
Identifiers: ClinVar variation 4724453 (VCV004724453.1).

ClinVar aggregate classification (germline): Uncertain significance (1 of 4 stars; one submission).

Submission:

Labcorp Genetics (formerly Invitae), Labcorp
Classification: Uncertain significance. Last evaluated: 2025-07-30. Review status: criteria provided, single submitter. Criteria: Invitae Variant Classification Sherloc (09022015). Collection method: clinical testing. Allele origin: germline.
Comment: This sequence change replaces valine, which is neutral and non-polar, with glycine, which is neutral and non-polar, at codon 186 of the IFT88 protein (p.Val186Gly). This variant is not present in population databases (gnomAD no frequency). This variant has not been reported in the literature in individuals affected with IFT88-related conditions. An algorithm developed to predict the effect of missense changes on protein structure and function (PolyPhen-2) suggests that this variant is likely to be tolerated. In summary, the available evidence is currently insufficient to determine the role of this variant in disease. Therefore, it has been classified as a Variant of Uncertain Significance.